The following is an entry in ClinVar:

NM_001353694.2(TIAM1):c.1666A>G (p.Lys556Glu)

Gene: TIAM1 (TIAM Rac1 associated GEF 1; minus strand). Cytogenetic location: 21q22.11.
Variant type: single nucleotide variant.
Coding change: c.1666A>G on transcript NM_001353694.2 (MANE Select); coding-DNA position 1666, A replaced by G.
Protein change: p.Lys556Glu; replaces lysine 556 with glutamic acid.
Molecular consequence: missense variant.
Genome position (GRCh38, 1-based): chr21:31,225,869, T>C on the plus strand (A>G on the coding strand, the complement: TIAM1 is on the minus strand). VCF-style: chr21-31225869-T-C. GRCh37 (hg19) VCF-style: chr21-32598185-T-C.
Other names: c.1666A>G, p.Lys556Glu (NM_001353686.2, NM_001353687.2, NM_001353688.1 and 6 more transcripts); short protein forms K556E.
Identifiers: ClinVar variation 3363861 (VCV003363861.1).

ClinVar aggregate classification (germline): Uncertain significance (1 of 4 stars; one submission).

gnomAD v4.1: 17 of 1,614,096 alleles (0.0011%); highest among the groups gnomAD compares: Non-Finnish European, 0.0014%; no homozygotes.

Submission:

GeneDx
Classification: Uncertain significance. Last evaluated: 2023-11-07. Review status: criteria provided, single submitter. Criteria: GeneDx Variant Classification Process June 2021. Collection method: clinical testing. Allele origin: germline. Affected: yes.
Comment: Not observed at significant frequency in large population cohorts (gnomAD); In silico analysis supports that this missense variant has a deleterious effect on protein structure/function; Has not been previously published as pathogenic or benign to our knowledge